The following is an entry in ClinVar:

NM_206933.4(USH2A):c.1312_1327dup (p.Asn443fs)

Gene: USH2A (usherin; minus strand). Cytogenetic location: 1q41.
Variant type: Duplication.
Coding change: c.1312_1327dup on transcript NM_206933.4 (MANE Select); coding-DNA positions 1312 to 1327, 16 bases duplicated (TGTCTTCAGCTTTCCA).
Protein change: p.Asn443fs; shifts the reading frame from asparagine 443.
Molecular consequence: frameshift variant.
Genome position (GRCh38, 1-based): chr1:216,324,169-216,324,184, TGGAAAGCTGAAGACA duplicated on the plus strand (TGTCTTCAGCTTTCCA on the coding strand, the reverse complement: USH2A is on the minus strand). VCF-style (leftmost placement, unchanged base first): chr1-216324168-T-TTGGAAAGCTGAAGACA. GRCh37 (hg19) VCF-style: chr1-216497510-T-TTGGAAAGCTGAAGACA.
Other names: c.1312_1327dup (NM_206933.2); c.1312_1327dupTGTCTTCAGCTTTCCA (NM_206933.2); c.1312_1327dup, p.Asn443fs (NM_007123.6); short protein forms N443fs.
Identifiers: ClinVar variation 801620 (VCV000801620.12), dbSNP rs1415157305, ClinGen allele CA731446559.

ClinVar aggregate classification (germline): Pathogenic/Likely pathogenic. Review status: criteria provided, multiple submitters, no conflicts (2 of 4 stars). 7 submissions from 7 submitters: Pathogenic (3); Likely pathogenic (4). Last evaluated 2025-10-28.

Conditions:
USH2A-related disorder. Also called: USH2A-related condition; USH2A-related disorders. Identifiers: MedGen CN239332.
Usher syndrome type 2A. Also called: RETINAL DISEASE IN USHER SYNDROME TYPE IIA, MODIFIER OF; USHER SYNDROME, TYPE IIA. Identifiers: Orphanet 231178, Orphanet 886, MedGen C1848634, MONDO:0010169, OMIM 276901.
Retinitis pigmentosa 39 (RP39). Identifiers: Orphanet 791, MedGen C3151138, MONDO:0013436, OMIM 613809.

Submissions (7):

Labcorp Genetics (formerly Invitae), Labcorp
Classification: Pathogenic. Last evaluated: 2025-10-28. Review status: criteria provided, single submitter. Criteria: Invitae Variant Classification Sherloc (09022015). Collection method: clinical testing. Allele origin: germline.
Comment: This sequence change creates a premature translational stop signal (p.Asn443Metfs*18) in the USH2A gene. It is expected to result in an absent or disrupted protein product. Loss-of-function variants in USH2A are known to be pathogenic (PMID: 10729113, 10909849, 20507924, 25649381). This variant is not present in population databases (gnomAD no frequency). This variant has not been reported in the literature in individuals affected with USH2A-related conditions. ClinVar contains an entry for this variant (Variation ID: 801620). For these reasons, this variant has been classified as Pathogenic.

Natera, Inc.
Classification: Likely pathogenic for Usher syndrome type 2A. Last evaluated: 2025-01-30. Review status: criteria provided, single submitter. Criteria: Natera Variant Classification Schema (03/2026). Collection method: clinical testing. Allele origin: germline.
Comment: The c.1312_1327dupTGTCTTCAGCTTTCCA variant in USH2A is a frameshift variant predicted to shift the reading frame beginning at codon 443 and leads to a stop codon 18 codons downstream. This variant is expected to result in nonsense mediated decay, truncation, or a dysfunctional protein product. This variant is rare in the general population with a frequency below the threshold expected for the associated phenotype(s). Given the available evidence, this variant is classified as Likely Pathogenic.

Fulgent Genetics
Classification: Likely pathogenic for Usher syndrome type 2A; Retinitis pigmentosa 39. Last evaluated: 2024-05-02. Review status: criteria provided, single submitter. Criteria: ACMG Guidelines, 2015. Collection method: clinical testing. Allele origin: germline.

Baylor Genetics
Classification: Likely pathogenic for Retinitis pigmentosa 39. Last evaluated: 2024-03-13. Review status: criteria provided, single submitter. Criteria: ACMG Guidelines, 2015. Collection method: clinical testing. Allele origin: unknown.

Genome-Nilou Lab
Classification: Pathogenic for Usher syndrome type 2A. Last evaluated: 2023-11-04. Review status: criteria provided, single submitter. Criteria: ACMG Guidelines, 2015. Collection method: clinical testing. Allele origin: germline. Affected: no.

Blueprint Genetics
Classification: Likely pathogenic for USH2A-related disorders. Last evaluated: 2021-03-24. Review status: criteria provided, single submitter. Criteria: ACMG Guidelines, 2015. Collection method: clinical testing. Allele origin: germline. Affected: yes. Observed: 3 variant alleles.

Mendelics
Classification: Pathogenic for Usher syndrome type 2A. Last evaluated: 2019-05-28. Review status: criteria provided, single submitter. Criteria: Mendelics Assertion Criteria 2017. Collection method: clinical testing. Allele origin: unknown.

Literature cited by the submitters: PubMed 10729113 (cited by Labcorp Genetics (formerly Invitae), Labcorp); PubMed 10909849 (cited by Labcorp Genetics (formerly Invitae), Labcorp); PubMed 20507924 (cited by Labcorp Genetics (formerly Invitae), Labcorp); PubMed 25649381 (cited by Labcorp Genetics (formerly Invitae), Labcorp).